The following is an entry in ClinVar:

ClinVar aggregate classification (germline): Uncertain significance. Review status: criteria provided, single submitter (1 of 4 stars). 2 submissions from 2 submitters: Uncertain significance (1). 1 of the submissions does not count toward it. Last evaluated 2026-05-20.

Conditions:
Usher syndrome type 1F (USH1F). Also called: USHER SYNDROME, TYPE IF. Identifiers: Orphanet 231169, Orphanet 886, MedGen C1865885, MONDO:0011186, OMIM 602083.

Submissions (2):

Myriad Genetics, Inc.
Classification: Uncertain significance for Usher syndrome type 1F. Last evaluated: 2026-05-20. Review status: criteria provided, single submitter. Criteria: Myriad Autosomal Dominant, Autosomal Recessive and X-Linked Classification Criteria (2023). Collection method: clinical testing. Allele origin: unknown.
Comment: NM_033056.3(PCDH15):c.4211+1G>A is a variant in a canonical splice site classified as a variant of uncertain significance in the context of PCDH15-related disorders. c.4211+1G>A has not been observed in cases with relevant disease. Relevant functional assessments of this variant are not available in the literature. c.4211+1G>A has not been observed in referenced population frequency databases. In summary, there is insufficient evidence to classify NM_033056.3(PCDH15):c.4211+1G>A as pathogenic or benign. Please note: this variant was assessed in the context of healthy population screening.

Counsyl
Classification: Likely pathogenic for Usher syndrome type 1F. Last evaluated: 2017-05-04. Review status: no assertion criteria provided. Collection method: clinical testing. Allele origin: unknown. Not counted in ClinVar's aggregate classification.

NM_001384140.1(PCDH15):c.4211+1G>A

Gene: PCDH15 (protocadherin related 15; minus strand). Cytogenetic location: 10q21.1.
Variant type: single nucleotide variant.
Coding change: c.4211+1G>A on transcript NM_001384140.1 (MANE Select); the canonical splice donor site of the intron after coding-DNA position 4211, G replaced by A.
Molecular consequence: splice donor variant. On other transcripts: intron variant (3).
Genome position (GRCh38, 1-based): chr10:53,828,564, C>T on the plus strand (G>A on the coding strand, the complement: PCDH15 is on the minus strand). VCF-style: chr10-53828564-C-T. GRCh37 (hg19) VCF-style: chr10-55588324-C-T.
Other names: c.4211+1G>A (NM_001354420.2, NM_001354429.2, NM_001142772.2 and 3 more transcripts); c.4226+1G>A (NM_001142771.2, NM_001142763.2); c.4232+1G>A (NM_001354411.2); c.4247+1G>A (NM_001142769.3); c.4145+1G>A (NM_001354404.2, NM_001142768.2); c.4137-1016G>A (NM_001142773.2); c.4092-1016G>A (NM_001142767.2); c.3998+1G>A (NM_001142765.2); and 1 more.
Identifiers: ClinVar variation 551704 (VCV000551704.3), dbSNP rs1554823229, ClinGen allele CA376528048.